The following is an entry in ClinVar:

ClinVar aggregate classification (germline): Likely benign. Review status: criteria provided, single submitter (1 of 4 stars). 2 submissions from 2 submitters: Likely benign (1). 1 of the submissions does not count toward it. Last evaluated 2023-02-23.

Conditions:
ZSCAN29-related disorder. Also called: ZSCAN29-related condition.

Allele frequency attached by ClinVar (database versions not stated): gnomAD exomes 0.00023; TOPMed 0.00034; ExAC 0.00036; gnomAD 0.00036; ESP Exome Variant Server 0.00054.

Submissions (2):

Ambry Genetics
Classification: Likely benign. Last evaluated: 2023-02-23. Review status: criteria provided, single submitter. Criteria: Ambry Variant Classification Scheme 2023. Collection method: clinical testing. Allele origin: germline.

PreventionGenetics, part of Exact Sciences
Classification: Benign for ZSCAN29-related condition. Last evaluated: 2022-04-01. Review status: no assertion criteria provided. Collection method: clinical testing. Allele origin: germline. Not counted in ClinVar's aggregate classification.
Comment: This variant is classified as benign based on ACMG/AMP sequence variant interpretation guidelines (Richards et al. 2015 PMID: 25741868, with internal and published modifications).

NM_001372080.1(ZSCAN29):c.2509G>A (p.Gly837Arg)

Gene: ZSCAN29 (zinc finger and SCAN domain containing 29; minus strand). Cytogenetic location: 15q15.3.
Variant type: single nucleotide variant.
Coding change: c.2509G>A on transcript NM_001372080.1 (MANE Select); coding-DNA position 2509, G replaced by A.
Protein change: p.Gly837Arg; replaces glycine 837 with arginine.
Molecular consequence: missense variant.
Genome position (GRCh38, 1-based): chr15:43,361,123, C>T on the plus strand (G>A on the coding strand, the complement: ZSCAN29 is on the minus strand). VCF-style: chr15-43361123-C-T. GRCh37 (hg19) VCF-style: chr15-43653321-C-T.
Other names: c.2509G>A, p.Gly837Arg (NM_152455.4); short protein forms G837R.
Identifiers: ClinVar variation 3057565 (VCV003057565.3), dbSNP rs149461798, ClinGen allele CA7523063.